The following is an entry in ClinVar:

ClinVar aggregate classification (germline): Conflicting classifications of pathogenicity. Review status: criteria provided, conflicting classifications (1 of 4 stars). 4 submissions from 4 submitters: Uncertain significance (1); Benign (1); Likely benign (2). Last evaluated 2025-11-25.

Conditions:
Polycystic liver disease 1 (PCLD1). Also called: Polycystic liver disease 1 with or without kidney cysts. Identifiers: Orphanet 2924, MedGen C0887850, MONDO:0008265, OMIM 174050.

Allele frequency attached by ClinVar (database versions not stated): TOPMed 0.00054; gnomAD 0.00056 and 0.00057; gnomAD exomes 0.00070 and 0.00077; ExAC 0.00072; ESP Exome Variant Server 0.00092.
gnomAD v4.1: 1,203 of 1,613,904 alleles (0.075%); highest among the groups gnomAD compares: South Asian, 0.089%; no homozygotes.

Submissions (4):

Labcorp Genetics (formerly Invitae), Labcorp
Classification: Likely benign. Last evaluated: 2025-11-25. Review status: criteria provided, single submitter. Criteria: Invitae Variant Classification Sherloc (09022015). Collection method: clinical testing. Allele origin: germline.

GeneDx
Classification: Uncertain significance. Last evaluated: 2025-07-03. Review status: criteria provided, single submitter. Criteria: GeneDx Variant Classification Process June 2021. Collection method: clinical testing. Allele origin: germline. Affected: yes.
Comment: In silico analysis supports that this missense variant has a deleterious effect on protein structure/function; Has not been previously published as pathogenic or benign to our knowledge

Blueprint Genetics
Classification: Likely benign. Last evaluated: 2024-11-22. Review status: criteria provided, single submitter. Criteria: ACMG Guidelines, 2015. Collection method: clinical testing. Allele origin: germline.

Illumina Laboratory Services, Illumina
Classification: Benign for Polycystic liver disease 1. Last evaluated: 2018-01-12. Review status: criteria provided, single submitter. Criteria: ICSL Variant Classification Criteria 13 December 2019. Collection method: clinical testing. Allele origin: germline.
Comment: This variant was observed in the ICSL laboratory as part of a predisposition screen in an ostensibly healthy population. It had not been previously curated by ICSL or reported in the Human Gene Mutation Database (HGMD: prior to June 1st, 2018), and was therefore a candidate for classification through an automated scoring system. Utilizing variant allele frequency, disease prevalence and penetrance estimates, and inheritance mode, an automated score was calculated to assess if this variant is too frequent to cause the disease. Based on the score and internal cut-off values, a variant classified as benign is not then subjected to further curation. The score for this variant resulted in a classification of benign for this disease.

NM_001289104.2(PRKCSH):c.454C>T (p.Arg152Trp)

Gene: PRKCSH (PRKCSH beta subunit of glucosidase II; plus strand). Cytogenetic location: 19p13.2.
Variant type: single nucleotide variant.
Coding change: c.454C>T on transcript NM_001289104.2 (MANE Select); coding-DNA position 454, C replaced by T.
Protein change: p.Arg152Trp; replaces arginine 152 with tryptophan.
Molecular consequence: missense variant.
Genome position (GRCh38, 1-based): chr19:11,441,343, C>T. VCF-style: chr19-11441343-C-T. GRCh37 (hg19) VCF-style: chr19-11552158-C-T.
Other names: c.454C>T, p.Arg152Trp (NM_001001329.3, NM_001289102.2, NM_001289103.2 and 3 more transcripts); short protein forms R152W.
Identifiers: ClinVar variation 328174 (VCV000328174.21), dbSNP rs151207349, ClinGen allele CA9212845.